The following is an entry in ClinVar:

NM_001199107.2(TBC1D24):c.314G>A (p.Cys105Tyr)

Gene: TBC1D24 (TBC1 domain family member 24; plus strand). Cytogenetic location: 16p13.3.
Variant type: single nucleotide variant.
Coding change: c.314G>A on transcript NM_001199107.2 (MANE Select); coding-DNA position 314, G replaced by A.
Protein change: p.Cys105Tyr; replaces cysteine 105 with tyrosine.
Molecular consequence: missense variant.
Genome position (GRCh38, 1-based): chr16:2,496,462, G>A. VCF-style: chr16-2496462-G-A. GRCh37 (hg19) VCF-style: chr16-2546463-G-A.
Other names: c.314G>A, p.Cys105Tyr (NM_020705.3); short protein forms C105Y.
Identifiers: ClinVar variation 4685534 (VCV004685534.2).
Genomic context (GRCh38, chr16:2,496,462, plus strand): 5'-ACAGCAGCAGCTGCCTGCCGCTGCCCGAGTTCGTGGACAACACGCAGGTGCCCAGCTACT[G>A]CCTGAATGCACGCGGCGAGGGGGCCGTGCGCAAGATCCTCCTGTGCCTGGCCAACCAGTT-3'
Protein context (NP_001186036.1, residues 95-115): FVDNTQVPSY[Cys105Tyr]LNARGEGAVR

ClinVar aggregate classification (germline): Uncertain significance. Review status: criteria provided, multiple submitters, no conflicts (2 of 4 stars). 2 submissions from 2 submitters: Uncertain significance (2). Last evaluated 2026-01-13.

Conditions:
Autosomal dominant nonsyndromic hearing loss 65. Also called: Deafness, autosomal dominant 65; TBC1D24-Related Autosomal Dominant Nonsyndromic Hearing Loss (DFNA). Identifiers: Orphanet 90635, MedGen C3892048, MONDO:0014470, OMIM 616044.

gnomAD v4.1: 2 of 1,612,206 alleles (0.00012%); highest among the groups gnomAD compares: Non-Finnish European, 0.00017%; no homozygotes.

Submissions (2):

Laboratory of Prof. Karen Avraham, Tel Aviv University
Classification: Uncertain significance for Autosomal dominant nonsyndromic hearing loss 65. Last evaluated: 2026-01-13. Review status: criteria provided, single submitter. Criteria: ACMG Guidelines, 2015. Collection method: research. Allele origin: germline. Inheritance: Autosomal dominant inheritance. Affected: yes. Observed: 1 heterozygote.
Comment: TBC1D24 is a known autosomal dominant hearing loss–associated gene. The variant is absent from gnomAD and is predicted to be deleterious by in silico tools; however, in the absence of segregation data, it was classified as a variant of uncertain significance (VUS).

Blueprint Genetics
Classification: Uncertain significance. Last evaluated: 2023-11-20. Review status: criteria provided, single submitter. Criteria: ACMG Guidelines, 2015. Collection method: clinical testing. Allele origin: germline.